The following is an entry in ClinVar:

ClinVar aggregate classification (germline): Uncertain significance (1 of 4 stars; one submission).

Submission:

Labcorp Genetics (formerly Invitae), Labcorp
Classification: Uncertain significance. Last evaluated: 2019-11-12. Review status: criteria provided, single submitter. Criteria: Invitae Variant Classification Sherloc (09022015). Collection method: clinical testing. Allele origin: germline.
Comment: This sequence change replaces glutamic acid with lysine at codon 466 of the CEP78 protein (p.Glu466Lys). The glutamic acid residue is moderately conserved and there is a small physicochemical difference between glutamic acid and lysine. This variant is not present in population databases (ExAC no frequency). This variant has not been reported in the literature in individuals with CEP78-related conditions. Algorithms developed to predict the effect of missense changes on protein structure and function (SIFT, PolyPhen-2, Align-GVGD) all suggest that this variant is likely to be tolerated, but these predictions have not been confirmed by published functional studies and their clinical significance is uncertain. In summary, the available evidence is currently insufficient to determine the role of this variant in disease. Therefore, it has been classified as a Variant of Uncertain Significance.

NM_001330691.3(CEP78):c.1393G>A (p.Glu465Lys)

Gene: CEP78 (centrosomal protein 78; plus strand). Cytogenetic location: 9q21.2.
Variant type: single nucleotide variant.
Coding change: c.1393G>A on transcript NM_001330691.3 (MANE Select); coding-DNA position 1393, G replaced by A.
Protein change: p.Glu465Lys; replaces glutamic acid 465 with lysine.
Molecular consequence: missense variant.
Genome position (GRCh38, 1-based): chr9:78,262,919, G>A. VCF-style: chr9-78262919-G-A. GRCh37 (hg19) VCF-style: chr9-80877835-G-A.
Other names: c.1396G>A, p.Glu466Lys (NM_001098802.3, NM_001349839.2, NM_001349840.2 and 1 more transcripts); c.1393G>A, p.Glu465Lys (NM_001330693.3, NM_001330694.2, NM_001349838.2); short protein forms E466K, E465K.
Identifiers: ClinVar variation 967310 (VCV000967310.9), dbSNP rs1827339749, ClinGen allele CA373863252.
Genomic context (GRCh38, chr9:78,262,919, plus strand): 5'-ATCATATTGGGAATTAATTATAATATTTACTTTATTACTTAATACTAGGAAAAACTGGAG[G>A]AGTGCCTAAAGCAGTTAAAGGAAGAAAGAGTGATAAGGCTTAAGGTTGATAAACGAGTCA-3'
Protein context (NP_001317620.1, residues 455-475): EQEALQEKLE[Glu465Lys]CLKQLKEERV